The following is an entry in ClinVar:

ClinVar aggregate classification (germline): Likely pathogenic (1 of 4 stars; one submission).

Conditions:
Ehlers-Danlos syndrome, type 4 (EDSVASC). Also called: Ehlers-Danlos syndrome vascular type; Ehlers Danlos syndrome, ecchymotic type; Ehlers Danlos syndrome, arterial type; Ehlers Danlos syndrome, Sack-Barabas type; Ehlers-Danlos Syndrome Type IV. Identifiers: Orphanet 286, MedGen C0268338, MONDO:0017314, OMIM 130050.

Submission:

Labcorp Genetics (formerly Invitae), Labcorp
Classification: Likely pathogenic for Ehlers-Danlos syndrome, type 4. Last evaluated: 2018-08-29. Review status: criteria provided, single submitter. Criteria: Invitae Variant Classification Sherloc (09022015). Collection method: clinical testing. Allele origin: germline.
Comment: This variant, c.3440_3466del, results in the deletion of 9 amino acid(s) of the COL3A1 protein (p.Pro1147_Gly1155del), but otherwise preserves the integrity of the reading frame. This variant is not present in population databases (ExAC no frequency). This variant has been observed in an individual affected with Ehlers-Danlos syndrome (PMID: 24922459). Glycine residues within the Gly-Xaa-Yaa repeats of the triple helix domain are required for the structure and stability of fibrillar collagens (PMID: 7695699, 8218237, 19344236). In COL3A1, missense variants at these glycine residues are significantly enriched in individuals with disease (PMID: 24922459, 25758994) compared to the general population (ExAC). This variant affects four Gly-Xaa-Yaa repeats and is therefore likely to be causative of disease. In summary, the currently available evidence indicates that the variant is pathogenic, but additional data are needed to prove that conclusively. Therefore, this variant has been classified as Likely Pathogenic.

Literature cited by the submitters: PubMed 24922459; PubMed 7695699; PubMed 8218237; PubMed 19344236; PubMed 25758994.

NM_000090.4(COL3A1):c.3440_3466del (p.Pro1147_Gly1155del)

Gene: COL3A1 (collagen type III alpha 1 chain; plus strand). Cytogenetic location: 2q32.2.
Variant type: Deletion.
Coding change: c.3440_3466del on transcript NM_000090.4 (MANE Select); coding-DNA positions 3440 to 3466, 27 bases deleted (CTCCTGGCAAAGATGGAACCAGTGGAC).
Protein change: p.Pro1147_Gly1155del.
Molecular consequence: inframe deletion.
Genome position (GRCh38, 1-based): chr2:189,008,057-189,008,083, CTCCTGGCAAAGATGGAACCAGTGGAC deleted; deleting any 27 consecutive bases within chr2:189,008,048-189,008,083 gives the same sequence; the c. name uses the placement nearest the transcript's 3' end. VCF-style (leftmost placement, unchanged base first): chr2-189008047-CCCAGTGGACCTCCTGGCAAAGATGGAA-C. GRCh37 (hg19) VCF-style: chr2-189872773-CCCAGTGGACCTCCTGGCAAAGATGGAA-C.
Other names: c.3440_3466delCTCCTGGCAAAGATGGAACCAGTGGAC (NM_000090.3).
Identifiers: ClinVar variation 653298 (VCV000653298.9), dbSNP rs1576472890, ClinGen allele CA915942250.